The following is an entry in ClinVar:

NM_201525.4(ADGRG1):c.1017+5G>A

Gene: ADGRG1 (adhesion G protein-coupled receptor G1; plus strand). Cytogenetic location: 16q21.
Variant type: single nucleotide variant.
Coding change: c.1017+5G>A on transcript NM_201525.4 (MANE Select); 5 bases into the intron after coding-DNA position 1017, G replaced by A.
Molecular consequence: intron variant.
Genome position (GRCh38, 1-based): chr16:57,655,997, G>A. VCF-style: chr16-57655997-G-A. GRCh37 (hg19) VCF-style: chr16-57689909-G-A.
Other names: c.1017+5G>A (NM_001370440.1, NM_001370428.1, NM_001370436.1 and 16 more transcripts); c.507+5G>A (NM_001290142.2); c.492+5G>A (NM_001370451.1, NM_001290143.2, NM_001370453.1 and 2 more transcripts); c.861+5G>A (NM_001370442.1); c.1032+5G>A (NM_001370433.1, NM_001145773.3).
Identifiers: ClinVar variation 3705866 (VCV003705866.2).

ClinVar aggregate classification (germline): Uncertain significance (1 of 4 stars; one submission).

Submission:

Labcorp Genetics (formerly Invitae), Labcorp
Classification: Uncertain significance. Last evaluated: 2024-10-01. Review status: criteria provided, single submitter. Criteria: Invitae Variant Classification Sherloc (09022015). Collection method: clinical testing. Allele origin: germline.
Comment: This sequence change falls in intron 8 of the ADGRG1 gene. It does not directly change the encoded amino acid sequence of the ADGRG1 protein. It affects a nucleotide within the consensus splice site. This variant is not present in population databases (gnomAD no frequency). This variant has not been reported in the literature in individuals affected with ADGRG1-related conditions. Variants that disrupt the consensus splice site are a relatively common cause of aberrant splicing (PMID: 17576681, 9536098). Algorithms developed to predict the effect of sequence changes on RNA splicing suggest that this variant may disrupt the consensus splice site. In summary, the available evidence is currently insufficient to determine the role of this variant in disease. Therefore, it has been classified as a Variant of Uncertain Significance.

Literature cited by the submitters: PubMed 17576681; PubMed 9536098.